The following is an entry in ClinVar:

NM_001370658.1(BTD):c.844C>T (p.His282Tyr)

Gene: BTD (biotinidase; plus strand). Cytogenetic location: 3p25.1.
Variant type: single nucleotide variant.
Coding change: c.844C>T on transcript NM_001370658.1 (MANE Select); coding-DNA position 844, C replaced by T.
Protein change: p.His282Tyr; replaces histidine 282 with tyrosine.
Molecular consequence: missense variant. On other transcripts: intron variant (1).
Genome position (GRCh38, 1-based): chr3:15,644,760, C>T. VCF-style: chr3-15644760-C-T. GRCh37 (hg19) VCF-style: chr3-15686267-C-T.
Other names: c.844C>T, p.His282Tyr (NM_001407367.1, NM_001407368.1, NM_001407369.1 and 18 more transcripts); c.399+2703C>T (NM_001370753.1); c.904C>T, p.His302Tyr (NM_000060.4); short protein forms H282Y.
Identifiers: ClinVar variation 92403 (VCV000092403.9), dbSNP rs398123142, ClinGen allele CA220337.

ClinVar aggregate classification (germline): Uncertain significance. Review status: criteria provided, multiple submitters, no conflicts (2 of 4 stars). 3 submissions from 3 submitters: Uncertain significance (3). Last evaluated 2022-08-08.

Conditions:
Inborn genetic diseases. Identifiers: MedGen C0950123, MeSH D030342.
Biotinidase deficiency. Also called: Biotin deficiency; BTD deficiency; Late-onset biotin-responsive multiple carboxylase deficiency. Identifiers: Orphanet 79241, MedGen C0220754, MONDO:0009665, OMIM 253260.

Allele frequency attached by ClinVar (database versions not stated): gnomAD exomes below 0.00001; TOPMed below 0.00001.

Submissions (3):

Ambry Genetics
Classification: Uncertain significance for Inborn genetic diseases. Last evaluated: 2022-08-08. Review status: criteria provided, single submitter. Criteria: Ambry Variant Classification Scheme 2023. Collection method: clinical testing. Allele origin: germline.

Labcorp Genetics (formerly Invitae), Labcorp
Classification: Uncertain significance for Biotinidase deficiency. Last evaluated: 2022-06-14. Review status: criteria provided, single submitter. Criteria: Invitae Variant Classification Sherloc (09022015). Collection method: clinical testing. Allele origin: germline.
Comment: This sequence change replaces histidine, which is basic and polar, with tyrosine, which is neutral and polar, at codon 302 of the BTD protein (p.His302Tyr). This variant is present in population databases (rs398123142, gnomAD 0.003%). This variant has not been reported in the literature in individuals affected with BTD-related conditions. ClinVar contains an entry for this variant (Variation ID: 92403). Algorithms developed to predict the effect of missense changes on protein structure and function are either unavailable or do not agree on the potential impact of this missense change (SIFT: "Tolerated"; PolyPhen-2: "Probably Damaging"; Align-GVGD: "Class C0"). In summary, the available evidence is currently insufficient to determine the role of this variant in disease. Therefore, it has been classified as a Variant of Uncertain Significance.

Eurofins Ntd Llc (ga)
Classification: Uncertain significance. Last evaluated: 2013-09-24. Review status: criteria provided, single submitter. Criteria: EGL Classification Definitions 2015. Collection method: clinical testing. Allele origin: germline. Observed: 1 variant allele, 1 heterozygote.